The following is an entry in ClinVar:

NM_003036.4(SKI):c.1556G>A (p.Arg519His)

Gene: SKI (SKI proto-oncogene; plus strand). Cytogenetic location: 1p36.32.
Variant type: single nucleotide variant.
Coding change: c.1556G>A on transcript NM_003036.4 (MANE Select); coding-DNA position 1556, G replaced by A.
Protein change: p.Arg519His; replaces arginine 519 with histidine.
Molecular consequence: missense variant.
Genome position (GRCh38, 1-based): chr1:2,304,374, G>A. VCF-style: chr1-2304374-G-A. GRCh37 (hg19) VCF-style: chr1-2235813-G-A.
Other names: p.R519H:CGT>CAT; short protein forms R519H.
Identifiers: ClinVar variation 213675 (VCV000213675.14), dbSNP rs376322470, ClinGen allele CA320484.

ClinVar aggregate classification (germline): Conflicting classifications of pathogenicity. Review status: criteria provided, conflicting classifications (1 of 4 stars). 5 submissions from 5 submitters: Uncertain significance (2); Likely benign (3). Last evaluated 2026-06-08.

Conditions:
SKI-related disorder. Also called: SKI-related condition.
Familial thoracic aortic aneurysm and aortic dissection (TAAD). Also called: Thoracic aortic aneurysms and dissections. Identifiers: Orphanet 91387, MedGen C4707243, MONDO:0019625.
Shprintzen-Goldberg syndrome (SGS). Also called: Marfanoid disorder with craniosynostosis type 1; Marfanoid craniosynostosis syndrome; Shprintzen-Goldberg marfanoid syndrome; SHPRINTZEN-GOLDBERG CRANIOSYNOSTOSIS SYNDROME; CRANIOSYNOSTOSIS WITH ARACHNODACTYLY AND ABDOMINAL HERNIAS. Identifiers: Orphanet 2462, MedGen C1321551, MONDO:0008426, OMIM 182212.

Allele frequency attached by ClinVar (database versions not stated): ExAC below 0.00001; gnomAD 0.00003; gnomAD exomes 0.00004; TOPMed 0.00007; ESP Exome Variant Server 0.00008.
gnomAD v4.1: 83 of 1,551,764 alleles (0.0053%); highest among the groups gnomAD compares: Middle Eastern, 0.017%; no homozygotes.

Submissions (5):

PreventionGenetics, part of Exact Sciences
Classification: Uncertain significance for SKI-related condition. Last evaluated: 2026-06-08. Review status: criteria provided, single submitter. Criteria: ACMG Guidelines, 2015. Collection method: clinical testing. Allele origin: germline.
Comment: The SKI c.1556G>A variant is predicted to result in the amino acid substitution p.Arg519His. To our knowledge, this variant has not been reported in the literature. This variant is reported in 0.0080% of alleles in individuals of European (Non-Finnish) descent in gnomAD. At this time, the clinical significance of this variant is uncertain due to the absence of conclusive functional and genetic evidence.

Labcorp Genetics (formerly Invitae), Labcorp
Classification: Likely benign for Shprintzen-Goldberg syndrome. Last evaluated: 2025-12-08. Review status: criteria provided, single submitter. Criteria: Invitae Variant Classification Sherloc (09022015). Collection method: clinical testing. Allele origin: germline.

Blueprint Genetics
Classification: Likely benign. Last evaluated: 2023-06-12. Review status: criteria provided, single submitter. Criteria: ACMG Guidelines, 2015. Collection method: clinical testing. Allele origin: germline.

Ambry Genetics
Classification: Likely benign for Familial thoracic aortic aneurysm and aortic dissection. Last evaluated: 2022-02-21. Review status: criteria provided, single submitter. Criteria: Ambry Variant Classification Scheme 2023. Collection method: clinical testing. Allele origin: germline.

GeneDx
Classification: Uncertain significance. Last evaluated: 2020-06-25. Review status: criteria provided, single submitter. Criteria: GeneDx Variant Classification Process June 2021. Collection method: clinical testing. Allele origin: germline. Affected: yes.
Comment: Has not been previously published as pathogenic or benign to our knowledge; In silico analysis supports that this missense variant does not alter protein structure/function